The following is an entry in ClinVar:

NM_000179.3(MSH6):c.1736G>T (p.Cys579Phe)

Gene: MSH6 (mutS homolog 6; plus strand). Cytogenetic location: 2p16.3.
Variant type: single nucleotide variant.
Coding change: c.1736G>T on transcript NM_000179.3 (MANE Select); coding-DNA position 1736, G replaced by T.
Protein change: p.Cys579Phe; replaces cysteine 579 with phenylalanine.
Molecular consequence: missense variant.
Genome position (GRCh38, 1-based): chr2:47,799,719, G>T. VCF-style: chr2-47799719-G-T. GRCh37 (hg19) VCF-style: chr2-48026858-G-T.
Other names: c.1346G>T, p.Cys449Phe (NM_001281492.2); c.830G>T, p.Cys277Phe (NM_001281493.2, NM_001281494.2, NM_001406811.1 and 6 more transcripts); c.1832G>T, p.Cys611Phe (NM_001406795.1, NM_001406802.1); c.1736G>T, p.Cys579Phe (NM_001406796.1, NM_001406798.1, NM_001406800.1 and 3 more transcripts); c.1439G>T, p.Cys480Phe (NM_001406797.1, NM_001406801.1, NM_001406805.1 and 10 more transcripts); c.1211G>T, p.Cys404Phe (NM_001406799.1, NM_001406806.1, NM_001406807.1); c.1658G>T, p.Cys553Phe (NM_001406804.1); c.1742G>T, p.Cys581Phe (NM_001406813.1); and 1 more; short protein forms C277F, C404F, C480F, C523F, C553F, C579F, C449F, C581F.
Identifiers: ClinVar variation 2015822 (VCV002015822.5), dbSNP rs2104364236, ClinGen allele CA346748817.

ClinVar aggregate classification (germline): Uncertain significance. Review status: criteria provided, multiple submitters, no conflicts (2 of 4 stars). 2 submissions from 2 submitters: Uncertain significance (2). Last evaluated 2025-04-08.

Conditions:
Hereditary nonpolyposis colorectal neoplasms. Identifiers: MedGen C0009405, MeSH D003123.
Hereditary cancer-predisposing syndrome. Also called: Hereditary Cancer Syndrome; Neoplastic Syndromes, Hereditary; Hereditary neoplastic syndrome; Tumor predisposition. Identifiers: Orphanet 140162, MedGen C0027672, MeSH D009386, MONDO:0015356.

Allele frequency attached by ClinVar (database versions not stated): gnomAD exomes below 0.00001.
gnomAD v4.1: 1 of 1,614,166 alleles (0.000062%); highest among the groups gnomAD compares: Non-Finnish European, 0.000085%; no homozygotes.

Submissions (2):

Ambry Genetics
Classification: Uncertain significance for Hereditary cancer-predisposing syndrome. Last evaluated: 2025-04-08. Review status: criteria provided, single submitter. Criteria: Ambry Variant Classification Scheme 2023. Collection method: clinical testing. Allele origin: germline.
Comment: The p.C579F variant (also known as c.1736G>T), located in coding exon 4 of the MSH6 gene, results from a G to T substitution at nucleotide position 1736. The cysteine at codon 579 is replaced by phenylalanine, an amino acid with highly dissimilar properties. This amino acid position is conserved. In addition, this alteration is predicted to be deleterious by in silico analysis. Based on the available evidence, the clinical significance of this variant remains unclear.

Labcorp Genetics (formerly Invitae), Labcorp
Classification: Uncertain significance for Hereditary nonpolyposis colorectal neoplasms. Last evaluated: 2022-10-19. Review status: criteria provided, single submitter. Criteria: Invitae Variant Classification Sherloc (09022015). Collection method: clinical testing. Allele origin: germline.
Comment: Advanced modeling of protein sequence and biophysical properties (such as structural, functional, and spatial information, amino acid conservation, physicochemical variation, residue mobility, and thermodynamic stability) performed at Invitae indicates that this missense variant is not expected to disrupt MSH6 protein function. This variant has not been reported in the literature in individuals affected with MSH6-related conditions. This variant is not present in population databases (gnomAD no frequency). This sequence change replaces cysteine, which is neutral and slightly polar, with phenylalanine, which is neutral and non-polar, at codon 579 of the MSH6 protein (p.Cys579Phe). In summary, the available evidence is currently insufficient to determine the role of this variant in disease. Therefore, it has been classified as a Variant of Uncertain Significance.